The following is an entry in ClinVar:

NM_001376.5(DYNC1H1):c.12336G>T (p.Lys4112Asn)

Gene: DYNC1H1 (dynein cytoplasmic 1 heavy chain 1; plus strand). Cytogenetic location: 14q32.31.
Variant type: single nucleotide variant.
Coding change: c.12336G>T on transcript NM_001376.5 (MANE Select); coding-DNA position 12336, G replaced by T.
Protein change: p.Lys4112Asn; replaces lysine 4112 with asparagine.
Molecular consequence: missense variant.
Genome position (GRCh38, 1-based): chr14:102,042,444, G>T. VCF-style: chr14-102042444-G-T. GRCh37 (hg19) VCF-style: chr14-102508781-G-T.
Other names: short protein forms K4112N.
Identifiers: ClinVar variation 4751782 (VCV004751782.1).

ClinVar aggregate classification (germline): Uncertain significance (1 of 4 stars; one submission).

Conditions:
Charcot-Marie-Tooth disease axonal type 2O. Also called: CHARCOT-MARIE-TOOTH NEUROPATHY, AXONAL, TYPE 2O; CHARCOT-MARIE-TOOTH DISEASE, AXONAL, AUTOSOMAL DOMINANT, TYPE 2O; Charcot-Marie-Tooth Neuropathy Type 2O; Charcot-Marie-Tooth disease, axonal, type 20. Identifiers: Orphanet 284232, MedGen C3280220, MONDO:0013644, OMIM 614228.

gnomAD v4.1: 1 of 1,614,078 alleles (0.000062%); highest among the groups gnomAD compares: Non-Finnish European, 0.000085%; no homozygotes.

Submission:

Labcorp Genetics (formerly Invitae), Labcorp
Classification: Uncertain significance for Charcot-Marie-Tooth disease axonal type 2O. Last evaluated: 2025-07-02. Review status: criteria provided, single submitter. Criteria: Invitae Variant Classification Sherloc (09022015). Collection method: clinical testing. Allele origin: germline.
Comment: This sequence change replaces lysine, which is basic and polar, with asparagine, which is neutral and polar, at codon 4112 of the DYNC1H1 protein (p.Lys4112Asn). This variant is not present in population databases (gnomAD no frequency). This variant has not been reported in the literature in individuals affected with DYNC1H1-related conditions. Invitae Evidence Modeling of protein sequence and biophysical properties (such as structural, functional, and spatial information, amino acid conservation, physicochemical variation, residue mobility, and thermodynamic stability) indicates that this missense variant is not expected to disrupt DYNC1H1 protein function with a negative predictive value of 95%. In summary, the available evidence is currently insufficient to determine the role of this variant in disease. Therefore, it has been classified as a Variant of Uncertain Significance.